The following is an entry in ClinVar:

NM_006516.4(SLC2A1):c.793T>C (p.Ser265Pro)

Gene: SLC2A1 (solute carrier family 2 member 1; minus strand). Cytogenetic location: 1p34.2.
Variant type: single nucleotide variant.
Coding change: c.793T>C on transcript NM_006516.4 (MANE Select); coding-DNA position 793, T replaced by C.
Protein change: p.Ser265Pro; replaces serine 265 with proline.
Molecular consequence: missense variant.
Genome position (GRCh38, 1-based): chr1:42,929,667, A>G on the plus strand (T>C on the coding strand, the complement: SLC2A1 is on the minus strand). VCF-style: chr1-42929667-A-G. GRCh37 (hg19) VCF-style: chr1-43395338-A-G.
Other names: short protein forms S265P.
Identifiers: ClinVar variation 4738504 (VCV004738504.1).
Genomic context (GRCh38, chr1:42,929,667, plus strand): 5'-ACAGCTGCTGGGACAGCTGCAGCACCACAGCGATGAGGATGGGCTGGCGGTAGGCGGGGG[A>G]GCGGAACAGCTCCAGGATGGTGACCTTCTTCTCCCGCATCATCTGCCGACTCTCTTCCTT-3'
Protein context (NP_006507.2, residues 255-275): KKVTILELFR[Ser265Pro]PAYRQPILIA

ClinVar aggregate classification (germline): Uncertain significance (1 of 4 stars; one submission).

Conditions:
GLUT1 deficiency syndrome 1, autosomal recessive. Identifiers: MedGen C3149117.

Submission:

Labcorp Genetics (formerly Invitae), Labcorp
Classification: Uncertain significance for GLUT1 deficiency syndrome 1, autosomal recessive. Last evaluated: 2025-12-02. Review status: criteria provided, single submitter. Criteria: Invitae Variant Classification Sherloc (09022015). Collection method: clinical testing. Allele origin: germline.
Comment: This sequence change replaces serine, which is neutral and polar, with proline, which is neutral and non-polar, at codon 265 of the SLC2A1 protein (p.Ser265Pro). This variant is not present in population databases (gnomAD no frequency). This variant has not been reported in the literature in individuals affected with SLC2A1-related conditions. Invitae Evidence Modeling of protein sequence and biophysical properties (such as structural, functional, and spatial information, amino acid conservation, physicochemical variation, residue mobility, and thermodynamic stability) indicates that this missense variant is expected to disrupt SLC2A1 protein function with a positive predictive value of 80%. In summary, the available evidence is currently insufficient to determine the role of this variant in disease. Therefore, it has been classified as a Variant of Uncertain Significance.